The following is an entry in ClinVar:

NM_053025.4(MYLK):c.5384C>T (p.Ala1795Val)

Genes: MYLK-AS1 (MYLK antisense RNA 1; plus strand), MYLK (myosin light chain kinase; minus strand). Cytogenetic location: 3q21.1.
Variant type: single nucleotide variant.
Coding change: c.5384C>T on transcript NM_053025.4 (MANE Select); coding-DNA position 5384, C replaced by T.
Protein change: p.Ala1795Val; replaces alanine 1795 with valine.
Molecular consequence: missense variant.
Genome position (GRCh38, 1-based): chr3:123,618,755, G>A on the plus strand (C>T on the coding strand, the complement: MYLK is on the minus strand). VCF-style: chr3-123618755-G-A. GRCh37 (hg19) VCF-style: chr3-123337602-G-A.
Other names: c.4856C>T, p.Ala1619Val (NM_001321309.2); c.5177C>T, p.Ala1726Val (NM_053026.4); c.5231C>T, p.Ala1744Val (NM_053027.4); c.5024C>T, p.Ala1675Val (NM_053028.4); c.101C>T, p.Ala34Val (NM_053031.4); c.104C>T, p.Ala35Val (NM_053032.4); c.5384C>T (NM_053025.3); short protein forms A1619V, A1675V, A1726V, A1744V, A1795V, A35V, A34V.
Identifiers: ClinVar variation 3665148 (VCV003665148.3).

ClinVar aggregate classification (germline): Uncertain significance. Review status: criteria provided, multiple submitters, no conflicts (2 of 4 stars). 2 submissions from 2 submitters: Uncertain significance (2). Last evaluated 2025-03-23.

Conditions:
Aortic aneurysm, familial thoracic 7 (AAT7). Also called: AORTIC DISSECTION, FAMILIAL, WITH OR WITHOUT AORTIC ANEURYSM. Identifiers: MedGen C3151077, MONDO:0013418, OMIM 613780.
Familial thoracic aortic aneurysm and aortic dissection (TAAD). Also called: Thoracic aortic aneurysms and dissections. Identifiers: Orphanet 91387, MedGen C4707243, MONDO:0019625.

gnomAD v4.1: 3 of 1,614,052 alleles (0.00019%); highest among the groups gnomAD compares: African/African-American, 0.004%; no homozygotes.

Submissions (2):

Ambry Genetics
Classification: Uncertain significance for Familial thoracic aortic aneurysm and aortic dissection. Last evaluated: 2025-03-23. Review status: criteria provided, single submitter. Criteria: Ambry Variant Classification Scheme 2023. Collection method: clinical testing. Allele origin: germline.
Comment: The p.A1795V variant (also known as c.5384C>T), located in coding exon 30 of the MYLK gene, results from a C to T substitution at nucleotide position 5384. The alanine at codon 1795 is replaced by valine, an amino acid with similar properties. This amino acid position is conserved. In addition, the in silico prediction for this alteration is inconclusive. Based on the available evidence, the clinical significance of this variant remains unclear.

Labcorp Genetics (formerly Invitae), Labcorp
Classification: Uncertain significance for Aortic aneurysm, familial thoracic 7. Last evaluated: 2024-12-02. Review status: criteria provided, single submitter. Criteria: Invitae Variant Classification Sherloc (09022015). Collection method: clinical testing. Allele origin: germline.
Comment: This sequence change replaces alanine, which is neutral and non-polar, with valine, which is neutral and non-polar, at codon 1795 of the MYLK protein (p.Ala1795Val). This variant is not present in population databases (gnomAD no frequency). This variant has not been reported in the literature in individuals affected with MYLK-related conditions. Invitae Evidence Modeling of protein sequence and biophysical properties (such as structural, functional, and spatial information, amino acid conservation, physicochemical variation, residue mobility, and thermodynamic stability) indicates that this missense variant is not expected to disrupt MYLK protein function with a negative predictive value of 80%. In summary, the available evidence is currently insufficient to determine the role of this variant in disease. Therefore, it has been classified as a Variant of Uncertain Significance.